The following is an entry in ClinVar:

NM_000255.4(MMUT):c.1958C>A (p.Thr653Asn)

Gene: MMUT (methylmalonyl-CoA mutase; minus strand). Cytogenetic location: 6p12.3.
Variant type: single nucleotide variant.
Coding change: c.1958C>A on transcript NM_000255.4 (MANE Select); coding-DNA position 1958, C replaced by A.
Protein change: p.Thr653Asn; replaces threonine 653 with asparagine.
Molecular consequence: missense variant.
Genome position (GRCh38, 1-based): chr6:49,435,622, G>T on the plus strand (C>A on the coding strand, the complement: MMUT is on the minus strand). VCF-style: chr6-49435622-G-T. GRCh37 (hg19) VCF-style: chr6-49403335-G-T.
Other names: short protein forms T653N.
Identifiers: ClinVar variation 3678696 (VCV003678696.2).

ClinVar aggregate classification (germline): Uncertain significance (1 of 4 stars; one submission).

Submission:

Labcorp Genetics (formerly Invitae), Labcorp
Classification: Uncertain significance. Last evaluated: 2024-04-08. Review status: criteria provided, single submitter. Criteria: Invitae Variant Classification Sherloc (09022015). Collection method: clinical testing. Allele origin: germline.
Comment: This sequence change replaces threonine, which is neutral and polar, with asparagine, which is neutral and polar, at codon 653 of the MUT protein (p.Thr653Asn). This variant is not present in population databases (gnomAD no frequency). This variant has not been reported in the literature in individuals affected with MUT-related conditions. An algorithm developed to predict the effect of missense changes on protein structure and function (PolyPhen-2) suggests that this variant is likely to be disruptive. In summary, the available evidence is currently insufficient to determine the role of this variant in disease. Therefore, it has been classified as a Variant of Uncertain Significance.